The following is an entry in ClinVar:

NM_001365536.1(SCN9A):c.684C>T (p.Ile228=)

Gene: SCN9A (sodium voltage-gated channel alpha subunit 9; minus strand). Cytogenetic location: 2q24.3.
Variant type: single nucleotide variant.
Coding change: c.684C>T on transcript NM_001365536.1 (MANE Select); coding-DNA position 684, C replaced by T.
Protein change: p.Ile228=; no amino-acid change (isoleucine 228 retained).
Molecular consequence: synonymous variant.
Genome position (GRCh38, 1-based): chr2:166,304,242, G>A on the plus strand (C>T on the coding strand, the complement: SCN9A is on the minus strand). VCF-style: chr2-166304242-G-A. GRCh37 (hg19) VCF-style: chr2-167160752-G-A.
Other names: c.684C>T, p.Ile228= (NM_002977.4).
Identifiers: ClinVar variation 3061465 (VCV003061465.2), dbSNP rs71428908, ClinGen allele CA59808840.

ClinVar aggregate classification (germline): Likely benign (0 of 4 stars; one submission).

Conditions:
SCN9A-related disorder. Also called: SCN9A-related disorders; SCN9A-related condition.

Submission:

PreventionGenetics, part of Exact Sciences
Classification: Likely benign for SCN9A-related condition. Last evaluated: 2021-07-02. Review status: no assertion criteria provided. Collection method: clinical testing. Allele origin: germline.
Comment: This variant is classified as likely benign based on ACMG/AMP sequence variant interpretation guidelines (Richards et al. 2015 PMID: 25741868, with internal and published modifications).